The following is an entry in ClinVar:

ClinVar aggregate classification (germline): Uncertain significance (1 of 4 stars; one submission).

Submission:

Women's Health and Genetics/Laboratory Corporation of America, LabCorp
Classification: Uncertain significance. Last evaluated: 2025-09-03. Review status: criteria provided, single submitter. Criteria: LabCorp Variant Classification Summary - May 2015. Collection method: clinical testing. Allele origin: germline.
Comment: Variant summary: The variant involves the duplication of exons 6-35 in the CACNA1H gene. The exact breakpoint at the 3' end of this variant is unknown, therefore this duplication may extend downstream of the annotated region of the gene. As it duplicates the termination codon, its effect on the encoded protein is unknown. A presumed nomenclature of c.(643+1_644-1)_(*775_?)dup has been designated for the purposes of this classification. The variant was absent in 21682 control chromosomes. The available data on variant occurrences in the general population are insufficient to allow any conclusion about variant significance. To our knowledge, no occurrence of c.(643+1_644-1)_(*775_?)dup in individuals affected with CACNA1H-related conditions and no experimental evidence demonstrating its impact on protein function have been reported. ClinVar contains an entry for this variant (Variation ID: 1023830). Based on the evidence outlined above, the variant was classified as uncertain significance.

NC_000016.9:g.(1246024_1248614)_(1271769_?)dup

Genes: CACNA1H (calcium voltage-gated channel subunit alpha1 H; plus strand), TPSG1 (tryptase gamma 1; minus strand). Cytogenetic location: 16p13.3.
Variant type: Duplication.
Identifiers: ClinVar variation 4535880 (VCV004535880.1).